The following is an entry in ClinVar:

NM_017780.4(CHD7):c.8210C>T (p.Ser2737Phe)

Gene: CHD7 (chromodomain helicase DNA binding protein 7; plus strand). Cytogenetic location: 8q12.2.
Variant type: single nucleotide variant.
Coding change: c.8210C>T on transcript NM_017780.4 (MANE Select); coding-DNA position 8210, C replaced by T.
Protein change: p.Ser2737Phe; replaces serine 2737 with phenylalanine.
Molecular consequence: missense variant.
Genome position (GRCh38, 1-based): chr8:60,865,149, C>T. VCF-style: chr8-60865149-C-T. GRCh37 (hg19) VCF-style: chr8-61777708-C-T.
Other names: c.2063C>T, p.Ser688Phe (NM_001316690.1); short protein forms S2737F, S688F.
Identifiers: ClinVar variation 3777392 (VCV003777392.1).
Genomic context (GRCh38, chr8:60,865,149, plus strand): 5'-GAGGAAGAAGGCCCAAAAGTGAGATCGCCAGAGCAGCCGCGGCCGCCGCTGCTGTGGCCT[C>T]CACGTCAGGGATCAACCCTTTGCTGGTGAACAGCCTGTTTGCTGGAATGGACCTGACGAG-3'
Protein context (NP_060250.2, residues 2727-2747): RAAAAAAAVA[Ser2737Phe]TSGINPLLVN

ClinVar aggregate classification (germline): Uncertain significance (1 of 4 stars; one submission).

Submission:

GeneDx
Classification: Uncertain significance. Last evaluated: 2024-10-13. Review status: criteria provided, single submitter. Criteria: GeneDx Variant Classification Process June 2021. Collection method: clinical testing. Allele origin: germline. Affected: yes.
Comment: Not observed at significant frequency in large population cohorts (gnomAD); In silico analysis supports that this missense variant has a deleterious effect on protein structure/function; Has not been previously published as pathogenic or benign to our knowledge